The following is an entry in ClinVar:

ClinVar aggregate classification (germline): Benign (0 of 4 stars; one submission).

Conditions:
NRP1-related disorder. Also called: NRP1-related condition.

Allele frequency attached by ClinVar (database versions not stated): 1000 Genomes Project 0.01897; 1000 Genomes Project 30x 0.01968; TOPMed 0.02490; ESP Exome Variant Server 0.02706; gnomAD 0.02988; ExAC 0.03346; gnomAD exomes 0.03703.
gnomAD v4.1: 58,400 of 1,612,560 alleles (3.6%); highest among the groups gnomAD compares: Non-Finnish European, 3.9%; 1,319 homozygotes.

Submission:

PreventionGenetics, part of Exact Sciences
Classification: Benign for NRP1-related condition. Last evaluated: 2019-03-22. Review status: no assertion criteria provided. Collection method: clinical testing. Allele origin: germline.
Comment: This variant is classified as benign based on ACMG/AMP sequence variant interpretation guidelines (Richards et al. 2015 PMID: 25741868, with internal and published modifications).

NM_003873.7(NRP1):c.2343C>T (p.Phe781=)

Gene: NRP1 (neuropilin 1; minus strand). Cytogenetic location: 10p11.22.
Variant type: single nucleotide variant.
Coding change: c.2343C>T on transcript NM_003873.7 (MANE Select); coding-DNA position 2343, C replaced by T.
Protein change: p.Phe781=; no amino-acid change (phenylalanine 781 retained).
Molecular consequence: synonymous variant. On other transcripts: non-coding transcript variant (1).
Genome position (GRCh38, 1-based): chr10:33,185,716, G>A on the plus strand (C>T on the coding strand, the complement: NRP1 is on the minus strand). VCF-style: chr10-33185716-G-A. GRCh37 (hg19) VCF-style: chr10-33474644-G-A.
Other names: c.2325C>T, p.Phe775= (NM_001244972.2); c.2322C>T, p.Phe774= (NM_001244973.2); c.2343C>T, p.Phe781= (NM_001330068.2).
Identifiers: ClinVar variation 3055862 (VCV003055862.2), dbSNP rs61760432, ClinGen allele CA5466209.